The following is an entry in ClinVar:

ClinVar aggregate classification (germline): Uncertain significance (1 of 4 stars; one submission).

Conditions:
Renal cell carcinoma. Identifiers: Orphanet 217071, MedGen C0007134, MeSH D002292, MONDO:0005086, HP:0005584.

Submission:

Labcorp Genetics (formerly Invitae), Labcorp
Classification: Uncertain significance for Renal cell carcinoma. Last evaluated: 2023-02-09. Review status: criteria provided, single submitter. Criteria: Invitae Variant Classification Sherloc (09022015). Collection method: clinical testing. Allele origin: germline.
Comment: In summary, the available evidence is currently insufficient to determine the role of this variant in disease. Therefore, it has been classified as a Variant of Uncertain Significance. Variants that disrupt the consensus splice site are a relatively common cause of aberrant splicing (PMID: 17576681, 9536098). Algorithms developed to predict the effect of sequence changes on RNA splicing suggest that this variant may disrupt the consensus splice site. This variant has not been reported in the literature in individuals affected with MET-related conditions. This variant is not present in population databases (gnomAD no frequency). This sequence change falls in intron 14 of the MET gene. It does not directly change the encoded amino acid sequence of the MET protein. It affects a nucleotide within the consensus splice site.

Literature cited by the submitters: PubMed 17576681; PubMed 9536098.

NM_000245.4(MET):c.3028+3A>G

Gene: MET (MET proto-oncogene, receptor tyrosine kinase; plus strand). Cytogenetic location: 7q31.2.
Variant type: single nucleotide variant.
Coding change: c.3028+3A>G on transcript NM_000245.4 (MANE Select); 3 bases into the intron after coding-DNA position 3028, A replaced by G.
Molecular consequence: intron variant.
Genome position (GRCh38, 1-based): chr7:116,771,992, A>G. VCF-style: chr7-116771992-A-G. GRCh37 (hg19) VCF-style: chr7-116412046-A-G.
Other names: c.3082+3A>G (NM_001127500.3); c.1738+3A>G (NM_001324402.2).
Identifiers: ClinVar variation 3017018 (VCV003017018.3), dbSNP rs2116998142, ClinGen allele CA891842007.